The following is an entry in ClinVar:

NM_000545.8(HNF1A):c.675del (p.Ser225fs)

Gene: HNF1A (HNF1 homeobox A; plus strand). Cytogenetic location: 12q24.31.
Variant type: Deletion.
Coding change: c.675del on transcript NM_000545.8 (MANE Select); coding-DNA position 675, one base deleted (C; older notation c.675delC).
Protein change: p.Ser225fs; shifts the reading frame from serine 225.
Molecular consequence: frameshift variant.
Genome position (GRCh38, 1-based): chr12:120,993,668, C deleted. VCF-style (leftmost placement, unchanged base first): chr12-120993667-GC-G. GRCh37 (hg19) VCF-style: chr12-121431470-GC-G.
Other names: NM_001306179.2:c.675del; c.675del, p.Ser225fs (NM_001306179.2, NM_001406915.1); short protein forms S225fs.
Identifiers: ClinVar variation 2691842 (VCV002691842.1), dbSNP rs2499995666, ClinGen allele CA2580611076.
Genomic context (GRCh38, chr12:120,993,667, plus strand): 5'-AGTGGGGCCCAGCATCCCAGCAGATCCTGTTCCAGGCCTATGAGAGGCAGAAGAACCCTA[GC>G]AAGGAGGAGCGAGAGACGCTAGTGGAGGAGTGCAATAGGTACAACGGCGGGCGGGAAACA-3'

ClinVar aggregate classification (germline): Pathogenic (3 of 4 stars; one submission).

Conditions:
Monogenic diabetes. Identifiers: Orphanet 183625, MedGen C3888631, MONDO:0015967.

Submission:

ClinGen Monogenic Diabetes Variant Curation Expert Panel
Classification: Pathogenic for Monogenic diabetes. Last evaluated: 2024-01-22. Review status: reviewed by expert panel. Criteria: ClinGen Diabetes ACMG Specifications HNF1A V2.1.0. Collection method: curation. Allele origin: germline. Inheritance: Autosomal dominant inheritance.
Comment: The c.675del variant in the HNF1 homeobox A gene, HNF1A, causes a frameshift in the protein at codon 225 (NM_000545.8), adding 8 novel amino acids before encountering a stop codon (p.(Ser225ArgfsTer8)). This variant, located in biologically-relevant exon 3 of 10, is predicted to lead to nonsense mediated decay in a gene in which loss-of-function is an established disease mechanism (PVS1; PMID: 23348805). This variant is absent in gnomAD v2.1.1 (PM2_Supporting). This variant was identified in at least two unrelated individuals with non-autoimmune and non-absolute/near-absolute insulin-deficient diabetes; however, PS4_Moderate cannot be applied because this number is below the ClinGen MDEP threshold (PMID:11806470, PMID:33245425, PMID:1883825). This variant segregated with diabetes, with at least seven informative meioses in two families with MODY (PP1; PMID:11806470, PMID:33245425). In summary, c.675del meets the criteria to be classified as pathogenic for monogenic diabetes. ACMG/AMP criteria applied, as specified by the ClinGen MDEP (specification version 2.1.0, approved 8/11/2023): PVS1, PP1_Strong, PM2_Supporting.